The following is an entry in ClinVar:

ClinVar aggregate classification (germline): Likely pathogenic (1 of 4 stars; one submission).

Conditions:
Autosomal recessive nonsyndromic hearing loss 22. Identifiers: Orphanet 90636, MedGen C1846896, MONDO:0011762, OMIM 607039.

Submission:

OLLIN Analises Genomicas, OLLIN
Classification: Likely pathogenic for Autosomal recessive nonsyndromic hearing loss 22. Last evaluated: 2026-08-06. Review status: criteria provided, single submitter. Criteria: ACMG Guidelines 2015 PMID 25741868. Collection method: clinical testing. Allele origin: germline.
Comment: This variant, located at the canonical splicing site (splice donor), is absent from gnomAD and ClinVar and has not been identified in the literature. This variant is predicted to disrupt a canonical splice site, potentially leading to exon skipping, mRNA degradation via nonsense-mediated decay (NMD), or production of a truncated protein. According to the currently available evidence, this variant has been classified as likely pathogenic (PVS1, PM2_P).

NM_144672.4(OTOA):c.179+1G>A

Gene: OTOA (otoancorin). Cytogenetic location: 16p12.2.
Variant type: single nucleotide variant.
Coding change: c.179+1G>A on transcript NM_144672.4 (MANE Select); the canonical splice donor site of the intron after coding-DNA position 179, G replaced by A.
Molecular consequence: splice donor variant.
Genome position (GRCh38, 1-based): chr16:21,679,212, G>A. VCF-style: chr16-21679212-G-A. GRCh37 (hg19) VCF-style: chr16-21690533-G-A.
Identifiers: ClinVar variation 5003116 (VCV005003116.1).